The following is an entry in ClinVar:

ClinVar aggregate classification (germline): Uncertain significance (1 of 4 stars; one submission).

Conditions:
Combined immunodeficiency due to STK4 deficiency (IMD110). Also called: T-cell immunodeficiency, recurrent infections, and autoimmunity with or without cardiac malformations; MST1 DEFICIENCY; STK4 DEFICIENCY. Identifiers: Orphanet 314689, MedGen C3553943, MONDO:0013934, OMIM 614868.

Submission:

Labcorp Genetics (formerly Invitae), Labcorp
Classification: Uncertain significance for Combined immunodeficiency due to STK4 deficiency. Last evaluated: 2023-10-13. Review status: criteria provided, single submitter. Criteria: Invitae Variant Classification Sherloc (09022015). Collection method: clinical testing. Allele origin: germline.
Comment: This sequence change replaces glutamine, which is neutral and polar, with leucine, which is neutral and non-polar, at codon 173 of the STK4 protein (p.Gln173Leu). This variant is not present in population databases (gnomAD no frequency). This variant has not been reported in the literature in individuals affected with STK4-related conditions. ClinVar contains an entry for this variant (Variation ID: 963389). An algorithm developed to predict the effect of missense changes on protein structure and function (PolyPhen-2) suggests that this variant is likely to be disruptive. In summary, the available evidence is currently insufficient to determine the role of this variant in disease. Therefore, it has been classified as a Variant of Uncertain Significance.

NM_006282.5(STK4):c.518A>T (p.Gln173Leu)

Gene: STK4 (serine/threonine kinase 4; plus strand). Cytogenetic location: 20q13.12.
Variant type: single nucleotide variant.
Coding change: c.518A>T on transcript NM_006282.5 (MANE Select); coding-DNA position 518, A replaced by T.
Protein change: p.Gln173Leu; replaces glutamine 173 with leucine.
Molecular consequence: missense variant.
Genome position (GRCh38, 1-based): chr20:44,987,289, A>T. VCF-style: chr20-44987289-A-T. GRCh37 (hg19) VCF-style: chr20-43615930-A-T.
Other names: c.518A>T, p.Gln173Leu (NM_001352385.2); short protein forms Q173L.
Identifiers: ClinVar variation 963389 (VCV000963389.10), dbSNP rs2067546545, ClinGen allele CA409124478.